The following is an entry in ClinVar:

NM_001605.3(AARS1):c.1168C>T (p.Arg390Cys)

Gene: AARS1 (alanyl-tRNA synthetase 1; minus strand). Cytogenetic location: 16q22.1.
Variant type: single nucleotide variant.
Coding change: c.1168C>T on transcript NM_001605.3 (MANE Select); coding-DNA position 1168, C replaced by T.
Protein change: p.Arg390Cys; replaces arginine 390 with cysteine.
Molecular consequence: missense variant.
Genome position (GRCh38, 1-based): chr16:70,267,713, G>A on the plus strand (C>T on the coding strand, the complement: AARS1 is on the minus strand). VCF-style: chr16-70267713-G-A. GRCh37 (hg19) VCF-style: chr16-70301616-G-A.
Other names: short protein forms R390C.
Identifiers: ClinVar variation 284185 (VCV000284185.6), dbSNP rs759713590, ClinGen allele CA8140907.

ClinVar aggregate classification (germline): Uncertain significance. Review status: criteria provided, multiple submitters, no conflicts (2 of 4 stars). 3 submissions from 3 submitters: Uncertain significance (3). Last evaluated 2025-12-17.

Conditions:
Charcot-Marie-Tooth disease type 2. Also called: Charcot-Marie-Tooth type 2. Identifiers: Orphanet 64746, MedGen C0270914, MONDO:0018993.
AARS1-related disorder. Also called: AARS1-related condition.

Allele frequency attached by ClinVar (database versions not stated): ExAC 0.00001; gnomAD exomes 0.00001.
gnomAD v4.1: 14 of 1,614,092 alleles (0.00087%); highest among the groups gnomAD compares: Admixed American, 0.0017%; no homozygotes.

Submissions (3):

3billion
Classification: Uncertain significance for AARS1-related disorder. Last evaluated: 2025-12-17. Review status: criteria provided, single submitter. Criteria: ACMG Guidelines, 2015. Collection method: clinical testing. Allele origin: germline. Affected: yes.
Comment: The variant is observed at an extremely low frequency in the gnomAD v4.1.0 dataset (total allele frequency: <0.001%). Predicted Consequence/Location: Missense variant The same nucleotide change resulting in the same amino acid change has been previously reported to be associated with AARS1-related disorder (PMID: 34813128). However, the evidence of pathogenicity is insufficient at this time. Therefore, this variant is classified as VUS according to the recommendation of ACMG/AMP guideline.

Labcorp Genetics (formerly Invitae), Labcorp
Classification: Uncertain significance for Charcot-Marie-Tooth disease type 2. Last evaluated: 2017-03-13. Review status: criteria provided, single submitter. Criteria: Invitae Variant Classification Sherloc (09022015). Collection method: clinical testing. Allele origin: germline.
Comment: This sequence change replaces arginine with cysteine at codon 390 of the AARS protein (p.Arg390Cys). The arginine residue is highly conserved and there is a large physicochemical difference between arginine and cysteine. This variant is present in population databases (rs759713590, ExAC 0.001%) but has not been reported in the literature in individuals with a AARS-related disease. Algorithms developed to predict the effect of missense changes on protein structure and function do not agree on the potential impact of this missense change (SIFT: "Deleterious"; PolyPhen-2: "Probably Damaging"; Align-GVGD: "Class C0"). In summary, this variant is a rare missense change with uncertain impact on protein function. There is no indication that it causes disease, but the available evidence is currently insufficient to prove that conclusively. Therefore, it has been classified as a Variant of Uncertain Significance.

Eurofins Ntd Llc (ga)
Classification: Uncertain significance. Last evaluated: 2015-12-23. Review status: criteria provided, single submitter. Criteria: EGL Classification Definitions 2015. Collection method: clinical testing. Allele origin: germline. Observed: 2 variant alleles, 2 heterozygotes.

Literature cited by the submitters: PubMed 34813128 (cited by 3billion).